The following is an entry in ClinVar:

ClinVar aggregate classification (germline): Uncertain significance (1 of 4 stars; one submission).

Submission:

Dasa
Classification: Uncertain significance. Last evaluated: 2025-12-03. Review status: criteria provided, single submitter. Criteria: DASA Assertion Criteria. Collection method: clinical testing. Allele origin: germline.
Comment: NM_018489.3(ASH1L):c.2255A>T (p.Asn752Ile) is a missense variant that results in the substitution of asparagine with isoleucine. This variant is absent from population databases. The currently available literature and clinical evidence are not sufficient to establish a definitive association between this variant and the reported condition. Therefore, this variant is classified as a variant of uncertain significance.

NM_018489.3(ASH1L):c.2255A>T (p.Asn752Ile)

Gene: ASH1L (ASH1 like histone lysine methyltransferase; minus strand). Cytogenetic location: 1q22.
Variant type: single nucleotide variant.
Coding change: c.2255A>T on transcript NM_018489.3 (MANE Select); coding-DNA position 2255, A replaced by T.
Protein change: p.Asn752Ile; replaces asparagine 752 with isoleucine.
Molecular consequence: missense variant.
Genome position (GRCh38, 1-based): chr1:155,480,615, T>A on the plus strand (A>T on the coding strand, the complement: ASH1L is on the minus strand). VCF-style: chr1-155480615-T-A. GRCh37 (hg19) VCF-style: chr1-155450406-T-A.
Other names: c.2255A>T, p.Asn752Ile (NM_001366177.2); short protein forms N752I.
Identifiers: ClinVar variation 4885180 (VCV004885180.2).